The following is an entry in ClinVar:

ClinVar aggregate classification (germline): Uncertain significance (1 of 4 stars; one submission).

Conditions:
Epilepsy, familial focal, with variable foci 3 (FFEVF3). Identifiers: MedGen C4310708, MONDO:0014925, OMIM 617118.

Submission:

Labcorp Genetics (formerly Invitae), Labcorp
Classification: Uncertain significance for Epilepsy, familial focal, with variable foci 3. Last evaluated: 2022-07-01. Review status: criteria provided, single submitter. Criteria: Invitae Variant Classification Sherloc (09022015). Collection method: clinical testing. Allele origin: germline.
Comment: Algorithms developed to predict the effect of sequence changes on RNA splicing suggest that this variant may disrupt the consensus splice site. In summary, the available evidence is currently insufficient to determine the role of this variant in disease. Therefore, it has been classified as a Variant of Uncertain Significance. Experimental studies and prediction algorithms are not available or were not evaluated, and the functional significance of this variant is currently unknown. This variant has not been reported in the literature in individuals affected with NPRL3-related conditions. This variant is not present in population databases (gnomAD no frequency). This sequence change replaces isoleucine, which is neutral and non-polar, with serine, which is neutral and polar, at codon 404 of the NPRL3 protein (p.Ile404Ser).

NM_001077350.3(NPRL3):c.1211T>G (p.Ile404Ser)

Genes: HBA-LCR (alpha-globin locus control region; plus strand), NPRL3 (NPR3 like, GATOR1 complex subunit; minus strand). Cytogenetic location: 16p13.3.
Variant type: single nucleotide variant.
Coding change: c.1211T>G on transcript NM_001077350.3 (MANE Select); coding-DNA position 1211, T replaced by G.
Protein change: p.Ile404Ser; replaces isoleucine 404 with serine.
Molecular consequence: missense variant.
Genome position (GRCh38, 1-based): chr16:89,853, A>C on the plus strand (T>G on the coding strand, the complement: NPRL3 is on the minus strand). VCF-style: chr16-89853-A-C. GRCh37 (hg19) VCF-style: chr16-139851-A-C.
Other names: c.674T>G, p.Ile225Ser (NM_001039476.3); c.977T>G, p.Ile326Ser (NM_001243247.2); c.1136T>G, p.Ile379Ser (NM_001243248.2, NM_001243249.2); short protein forms I326S, I225S, I379S, I404S.
Identifiers: ClinVar variation 2012699 (VCV002012699.4), dbSNP rs2542804505, ClinGen allele CA394051374.